The following is an entry in ClinVar:

ClinVar aggregate classification (germline): Uncertain significance (1 of 4 stars; one submission).

Conditions:
Diamond-Blackfan anemia. Also called: Blackfan Diamond syndrome; Aregenerative anemia chronic congenital; Red cell aplasia, pure hereditary; Congenital hypoplastic anemia; Aase syndrome. Identifiers: Orphanet 124, MedGen C1260899, MeSH D029503, MONDO:0015253, HP:0004810.

Submission:

Labcorp Genetics (formerly Invitae), Labcorp
Classification: Uncertain significance for Diamond-Blackfan anemia. Last evaluated: 2020-09-19. Review status: criteria provided, single submitter. Criteria: Invitae Variant Classification Sherloc (09022015). Collection method: clinical testing. Allele origin: germline.
Comment: In summary, the available evidence is currently insufficient to determine the role of this variant in disease. Therefore, it has been classified as a Variant of Uncertain Significance. Algorithms developed to predict the effect of missense changes on protein structure and function are either unavailable or do not agree on the potential impact of this missense change (SIFT: "Deleterious"; PolyPhen-2: "Benign"; Align-GVGD: "Class C55"). This variant has not been reported in the literature in individuals with RPL5-related conditions. This variant is not present in population databases (ExAC no frequency). This sequence change replaces alanine with threonine at codon 106 of the RPL5 protein (p.Ala106Thr). The alanine residue is highly conserved and there is a small physicochemical difference between alanine and threonine.

NM_000969.5(RPL5):c.316G>A (p.Ala106Thr)

Genes: DIPK1A (divergent protein kinase domain 1A; minus strand), RPL5 (ribosomal protein L5; plus strand). Cytogenetic location: 1p22.1.
Variant type: single nucleotide variant.
Coding change: c.316G>A on transcript NM_000969.5 (MANE Select); coding-DNA position 316, G replaced by A.
Protein change: p.Ala106Thr; replaces alanine 106 with threonine.
Molecular consequence: missense variant. On other transcripts: intron variant (1).
Genome position (GRCh38, 1-based): chr1:92,834,905, G>A. VCF-style: chr1-92834905-G-A. GRCh37 (hg19) VCF-style: chr1-93300462-G-A.
Other names: c.475-1871C>T (NM_001252273.2); short protein forms A106T.
Identifiers: ClinVar variation 1021862 (VCV001021862.9), dbSNP rs1687056401, ClinGen allele CA341241700.